The following is an entry in ClinVar:

NM_003200.5(TCF3):c.481G>T (p.Ala161Ser)

Gene: TCF3 (transcription factor 3; minus strand). Cytogenetic location: 19p13.3.
Variant type: single nucleotide variant.
Coding change: c.481G>T on transcript NM_003200.5 (MANE Select); coding-DNA position 481, G replaced by T.
Protein change: p.Ala161Ser; replaces alanine 161 with serine.
Molecular consequence: missense variant.
Genome position (GRCh38, 1-based): chr19:1,625,594, C>A on the plus strand (G>T on the coding strand, the complement: TCF3 is on the minus strand). VCF-style: chr19-1625594-C-A. GRCh37 (hg19) VCF-style: chr19-1625593-C-A.
Other names: c.481G>T, p.Ala161Ser (NM_001136139.4, NM_001351778.2, NM_001351779.2); short protein forms A161S.
Identifiers: ClinVar variation 2989391 (VCV002989391.3), dbSNP rs752274630, ClinGen allele CA403057081.
Genomic context (GRCh38, chr19:1,625,594, plus strand): 5'-CCCTCCCAGAAGCCCCCGATGCCCCGGCCAGACCCCGCTCACCTAGGCTGCCGTCTGCCG[C>A]TCTCCGCCGGGAGCTGCCGGAGTAGGAGGGGTAGTACTGGGAGGTCCCCTTCATGCCCGA-3'
Protein context (NP_003191.1, residues 151-171): PSYSGSSRRR[Ala161Ser]ADGSLDTQPK

ClinVar aggregate classification (germline): Uncertain significance (1 of 4 stars; one submission).

gnomAD v4.1: 2 of 1,586,474 alleles (0.00013%); highest among the groups gnomAD compares: Non-Finnish European, 0.00017%; no homozygotes.

Submission:

Labcorp Genetics (formerly Invitae), Labcorp
Classification: Uncertain significance. Last evaluated: 2023-11-04. Review status: criteria provided, single submitter. Criteria: Invitae Variant Classification Sherloc (09022015). Collection method: clinical testing. Allele origin: germline.
Comment: This sequence change replaces alanine, which is neutral and non-polar, with serine, which is neutral and polar, at codon 161 of the TCF3 protein (p.Ala161Ser). This variant is not present in population databases (gnomAD no frequency). This variant has not been reported in the literature in individuals affected with TCF3-related conditions. Advanced modeling of protein sequence and biophysical properties (such as structural, functional, and spatial information, amino acid conservation, physicochemical variation, residue mobility, and thermodynamic stability) performed at Invitae indicates that this missense variant is not expected to disrupt TCF3 protein function with a negative predictive value of 80%. In summary, the available evidence is currently insufficient to determine the role of this variant in disease. Therefore, it has been classified as a Variant of Uncertain Significance.